The following is an entry in ClinVar:

NM_201253.3(CRB1):c.3397G>A (p.Val1133Met)

Gene: CRB1 (crumbs cell polarity complex component 1; plus strand). Cytogenetic location: 1q31.3.
Variant type: single nucleotide variant.
Coding change: c.3397G>A on transcript NM_201253.3 (MANE Select); coding-DNA position 3397, G replaced by A.
Protein change: p.Val1133Met; replaces valine 1133 with methionine.
Molecular consequence: missense variant. On other transcripts: non-coding transcript variant (2), intron variant (1).
Genome position (GRCh38, 1-based): chr1:197,435,260, G>A. VCF-style: chr1-197435260-G-A. GRCh37 (hg19) VCF-style: chr1-197404390-G-A.
Other names: c.3061G>A, p.Val1021Met (NM_001193640.2); c.3325G>A, p.Val1109Met (NM_001257965.2); c.2129-340G>A (NM_001257966.2); short protein forms V1133M, V1021M, V1109M.
Identifiers: ClinVar variation 294687 (VCV000294687.17), dbSNP rs116246250, ClinGen allele CA1312328.

ClinVar aggregate classification (germline): Conflicting classifications of pathogenicity. Review status: criteria provided, conflicting classifications (1 of 4 stars). 6 submissions from 4 submitters: Uncertain significance (3); Benign (1); Likely benign (2). Last evaluated 2025-11-18.

Conditions:
Pigmented paravenous retinochoroidal atrophy. Identifiers: Orphanet 251295, MedGen C1868310, MONDO:0008246, OMIM 172870.
Leber congenital amaurosis 8 (LCA8). Identifiers: Orphanet 65, MedGen C3151202, MONDO:0013453, OMIM 613835.
Hereditary macular dystrophy. Also called: Genetic macular dystrophy. Identifiers: MedGen C0339508, MONDO:0020242.
Retinitis pigmentosa 12 (RP12). Also called: RP WITH OR WITHOUT PRESERVED PARAARTERIOLE RETINAL PIGMENT EPITHELIUM; RETINITIS PIGMENTOSA WITH OR WITHOUT PARAARTERIOLAR PRESERVATION OF RETINAL PIGMENT EPITHELIUM; RP WITH OR WITHOUT PPRPE. Identifiers: Orphanet 791, MedGen C1838647, MONDO:0010818, OMIM 600105.
Retinitis pigmentosa (RP). Identifiers: Orphanet 791, MedGen C0035334, MeSH D012174, MONDO:0019200, OMIM 268000. Inheritance: Autosomal dominant, autosomal recessive and X linked inheritance.

Allele frequency attached by ClinVar (database versions not stated): 1000 Genomes Project 30x 0.00016; TOPMed 0.00019; 1000 Genomes Project 0.00020; ESP Exome Variant Server 0.00023; gnomAD exomes 0.00049 and 0.00113; gnomAD 0.00066 and 0.00067; ExAC 0.00145.
gnomAD v4.1: 866 of 1,613,874 alleles (0.054%); highest among the groups gnomAD compares: Non-Finnish European, 0.03%; 2 homozygotes.

Submissions (6):

Labcorp Genetics (formerly Invitae), Labcorp
Classification: Likely benign for Leber congenital amaurosis 8; Retinitis pigmentosa 12. Last evaluated: 2025-11-18. Review status: criteria provided, single submitter. Criteria: Invitae Variant Classification Sherloc (09022015). Collection method: clinical testing. Allele origin: germline.

Blueprint Genetics
Classification: Likely benign. Last evaluated: 2024-11-07. Review status: criteria provided, single submitter. Criteria: ACMG Guidelines, 2015. Collection method: clinical testing. Allele origin: germline.

Department of Pathology and Laboratory Medicine, Sinai Health System
Classification: Uncertain significance for hereditary macular dystrophy. Last evaluated: 2022-04-25. Review status: criteria provided, single submitter. Criteria: ACMG Guidelines, 2015. Collection method: research. Allele origin: germline.

Illumina Laboratory Services, Illumina
Classification: Uncertain significance for Leber congenital amaurosis 8. Last evaluated: 2018-01-13. Review status: criteria provided, single submitter. Criteria: ICSL Variant Classification Criteria 13 December 2019. Collection method: clinical testing. Allele origin: germline.

Illumina Laboratory Services, Illumina
Classification: Uncertain significance for Retinitis pigmentosa. Last evaluated: 2018-01-13. Review status: criteria provided, single submitter. Criteria: ICSL Variant Classification Criteria 13 December 2019. Collection method: clinical testing. Allele origin: germline.

Illumina Laboratory Services, Illumina
Classification: Benign for Pigmented paravenous retinochoroidal atrophy. Last evaluated: 2018-01-13. Review status: criteria provided, single submitter. Criteria: ICSL Variant Classification Criteria 13 December 2019. Collection method: clinical testing. Allele origin: germline.
Comment: This variant was observed in the ICSL laboratory as part of a predisposition screen in an ostensibly healthy population. It had not been previously curated by ICSL or reported in the Human Gene Mutation Database (HGMD: prior to June 1st, 2018), and was therefore a candidate for classification through an automated scoring system. Utilizing variant allele frequency, disease prevalence and penetrance estimates, and inheritance mode, an automated score was calculated to assess if this variant is too frequent to cause the disease. Based on the score and internal cut-off values, a variant classified as benign is not then subjected to further curation. The score for this variant resulted in a classification of benign for this disease.